The following is an entry in ClinVar:

NM_001199138.2(NLRC4):c.762G>T (p.Lys254Asn)

Gene: NLRC4 (NLR family CARD domain containing 4; minus strand). Cytogenetic location: 2p22.3.
Variant type: single nucleotide variant.
Coding change: c.762G>T on transcript NM_001199138.2 (MANE Select); coding-DNA position 762, G replaced by T.
Protein change: p.Lys254Asn; replaces lysine 254 with asparagine.
Molecular consequence: missense variant. On other transcripts: intron variant (1).
Genome position (GRCh38, 1-based): chr2:32,251,102, C>A on the plus strand (G>T on the coding strand, the complement: NLRC4 is on the minus strand). VCF-style: chr2-32251102-C-A. GRCh37 (hg19) VCF-style: chr2-32476171-C-A.
Other names: c.762G>T, p.Lys254Asn (NM_001199139.2, NM_021209.5); c.262+1317G>T (NM_001302504.1); short protein forms K254N.
Identifiers: ClinVar variation 3753364 (VCV003753364.2).

ClinVar aggregate classification (germline): Uncertain significance (1 of 4 stars; one submission).

Conditions:
Periodic fever-infantile enterocolitis-autoinflammatory syndrome. Also called: Autoinflammation with infantile enterocolitis. Identifiers: Orphanet 436166, MedGen C4015067, MONDO:0014472, OMIM 616050.
Familial cold autoinflammatory syndrome 4 (FCAS4). Identifiers: Orphanet 47045, Orphanet 576349, MedGen C4015276, MONDO:0014498, OMIM 616115.

gnomAD v4.1: 4 of 1,614,162 alleles (0.00025%); highest among the groups gnomAD compares: Non-Finnish European, 0.00034%; no homozygotes.

Submission:

Labcorp Genetics (formerly Invitae), Labcorp
Classification: Uncertain significance for Periodic fever-infantile enterocolitis-autoinflammatory syndrome; Familial cold autoinflammatory syndrome 4. Last evaluated: 2024-08-14. Review status: criteria provided, single submitter. Criteria: Invitae Variant Classification Sherloc (09022015). Collection method: clinical testing. Allele origin: germline.
Comment: This sequence change replaces lysine, which is basic and polar, with asparagine, which is neutral and polar, at codon 254 of the NLRC4 protein (p.Lys254Asn). This variant is not present in population databases (gnomAD no frequency). This variant has not been reported in the literature in individuals affected with NLRC4-related conditions. Invitae Evidence Modeling of protein sequence and biophysical properties (such as structural, functional, and spatial information, amino acid conservation, physicochemical variation, residue mobility, and thermodynamic stability) indicates that this missense variant is not expected to disrupt NLRC4 protein function with a negative predictive value of 80%. In summary, the available evidence is currently insufficient to determine the role of this variant in disease. Therefore, it has been classified as a Variant of Uncertain Significance.